The following is an entry in ClinVar:

NM_012330.4(KAT6B):c.4828T>C (p.Ser1610Pro)

Gene: KAT6B (lysine acetyltransferase 6B; plus strand). Cytogenetic location: 10q22.2.
Variant type: single nucleotide variant.
Coding change: c.4828T>C on transcript NM_012330.4 (MANE Select); coding-DNA position 4828, T replaced by C.
Protein change: p.Ser1610Pro; replaces serine 1610 with proline.
Molecular consequence: missense variant.
Genome position (GRCh38, 1-based): chr10:75,029,652, T>C. VCF-style: chr10-75029652-T-C. GRCh37 (hg19) VCF-style: chr10-76789410-T-C.
Other names: c.4279T>C, p.Ser1427Pro (NM_001256468.2, NM_001370138.1); c.3952T>C, p.Ser1318Pro (NM_001256469.2, NM_001370139.1, NM_001370140.1 and 2 more transcripts); c.3790T>C, p.Ser1264Pro (NM_001370132.1); c.3139T>C, p.Ser1047Pro (NM_001370133.1); c.2743T>C, p.Ser915Pro (NM_001370134.1); c.2485T>C, p.Ser829Pro (NM_001370135.1); c.4828T>C, p.Ser1610Pro (NM_001370136.1, NM_001370137.1); c.3763T>C, p.Ser1255Pro (NM_001370143.1, NM_001370144.1); short protein forms S1047P, S1264P, S1255P, S1427P, S829P, S1318P, S1610P, S915P.
Identifiers: ClinVar variation 2088187 (VCV002088187.4), dbSNP rs2549206351, ClinGen allele CA377298738.

ClinVar aggregate classification (germline): Uncertain significance (1 of 4 stars; one submission).

Conditions:
Genitopatellar syndrome (GTPTS). Also called: ABSENT PATELLAE, SCROTAL HYPOPLASIA, RENAL ANOMALIES, FACIAL DYSMORPHISM, AND MENTAL RETARDATION; Genitopatellar syndrome (GPS). Identifiers: Orphanet 85201, MedGen C1853566, MONDO:0011640, OMIM 606170.

Submission:

Labcorp Genetics (formerly Invitae), Labcorp
Classification: Uncertain significance for Genitopatellar syndrome. Last evaluated: 2023-07-07. Review status: criteria provided, single submitter. Criteria: Invitae Variant Classification Sherloc (09022015). Collection method: clinical testing. Allele origin: germline.
Comment: In summary, the available evidence is currently insufficient to determine the role of this variant in disease. Therefore, it has been classified as a Variant of Uncertain Significance. An algorithm developed to predict the effect of missense changes on protein structure and function (PolyPhen-2) suggests that this variant is likely to be disruptive. This sequence change replaces serine, which is neutral and polar, with proline, which is neutral and non-polar, at codon 1610 of the KAT6B protein (p.Ser1610Pro). This variant is not present in population databases (gnomAD no frequency). This variant has not been reported in the literature in individuals affected with KAT6B-related conditions. ClinVar contains an entry for this variant (Variation ID: 2088187).